The following is an entry in ClinVar:

ClinVar aggregate classification (germline): Uncertain significance (1 of 4 stars; one submission).

Submission:

Labcorp Genetics (formerly Invitae), Labcorp
Classification: Uncertain significance. Last evaluated: 2022-03-10. Review status: criteria provided, single submitter. Criteria: Invitae Variant Classification Sherloc (09022015). Collection method: clinical testing. Allele origin: germline.
Comment: This variant has not been reported in the literature in individuals affected with PLAA-related conditions. Algorithms developed to predict the effect of missense changes on protein structure and function are either unavailable or do not agree on the potential impact of this missense change (SIFT: "Tolerated"; PolyPhen-2: "Possibly Damaging"; Align-GVGD: "Class C0"). In summary, the available evidence is currently insufficient to determine the role of this variant in disease. Therefore, it has been classified as a Variant of Uncertain Significance. This variant is not present in population databases (gnomAD no frequency). This sequence change replaces histidine, which is basic and polar, with proline, which is neutral and non-polar, at codon 64 of the PLAA protein (p.His64Pro).

NM_001031689.3(PLAA):c.191A>C (p.His64Pro)

Gene: PLAA (phospholipase A2 activating protein; minus strand). Cytogenetic location: 9p21.2.
Variant type: single nucleotide variant.
Coding change: c.191A>C on transcript NM_001031689.3 (MANE Select); coding-DNA position 191, A replaced by C.
Protein change: p.His64Pro; replaces histidine 64 with proline.
Molecular consequence: missense variant.
Genome position (GRCh38, 1-based): chr9:26,935,165, T>G on the plus strand (A>C on the coding strand, the complement: PLAA is on the minus strand). VCF-style: chr9-26935165-T-G. GRCh37 (hg19) VCF-style: chr9-26935163-T-G.
Other names: c.191A>C, p.His64Pro (NM_001321546.2); short protein forms H64P.
Identifiers: ClinVar variation 2421609 (VCV002421609.6), dbSNP rs745736768, ClinGen allele CA373112117.